The following is an entry in ClinVar:

NM_002718.5(PPP2R3A):c.2545-3C>T

Gene: PPP2R3A (protein phosphatase 2 regulatory subunit B''alpha; plus strand). Cytogenetic location: 3q22.3.
Variant type: single nucleotide variant.
Coding change: c.2545-3C>T on transcript NM_002718.5 (MANE Select); 3 bases into the intron before coding-DNA position 2545, C replaced by T.
Molecular consequence: intron variant.
Genome position (GRCh38, 1-based): chr3:136,078,364, C>T. VCF-style: chr3-136078364-C-T. GRCh37 (hg19) VCF-style: chr3-135797206-C-T.
Other names: NC_000003.11:g.135797206C>T; c.337-3C>T (NM_001190447.2); c.682-3C>T (NM_181897.3).
Identifiers: ClinVar variation 769280 (VCV000769280.7), dbSNP rs147006675, ClinGen allele CA2630888.

ClinVar aggregate classification (germline): Benign. Review status: criteria provided, multiple submitters, no conflicts (2 of 4 stars). 3 submissions from 3 submitters: Benign (2). 1 of the submissions does not count toward it. Last evaluated 2017-06-06.

Conditions:
PPP2R3A-related disorder. Also called: PPP2R3A-related condition.

Allele frequency attached by ClinVar (database versions not stated): 1000 Genomes Project 30x 0.00437; 1000 Genomes Project 0.00459; gnomAD exomes 0.00774 and 0.01222; TOPMed 0.00818; ExAC 0.00819; gnomAD 0.00837 and 0.00853; ESP Exome Variant Server 0.00946.
gnomAD v4.1: 18,562 of 1,580,162 alleles (1.2%); highest among the groups gnomAD compares: Non-Finnish European, 1.4%; 132 homozygotes.

Submissions (18):

Labcorp Genetics (formerly Invitae), Labcorp
Classification: Benign. Last evaluated: 2017-06-06. Review status: criteria provided, single submitter. Criteria: Invitae Variant Classification Sherloc (09022015). Collection method: clinical testing. Allele origin: germline.

Breakthrough Genomics
Classification: Benign. Review status: criteria provided, single submitter. Criteria: ACMG Guidelines, 2015. Collection method: not provided. Allele origin: germline. Inheritance: Unknown mechanism. Affected: yes.

PreventionGenetics, part of Exact Sciences
Classification: Benign for PPP2R3A-related condition. Last evaluated: 2019-05-17. Review status: no assertion criteria provided. Collection method: clinical testing. Allele origin: germline. Not counted in ClinVar's aggregate classification.
Comment: This variant is classified as benign based on ACMG/AMP sequence variant interpretation guidelines (Richards et al. 2015 PMID: 25741868, with internal and published modifications).

Dr. Peter K. Rogan Lab, Western University
No classification provided (evidence only). Condition: Clear cell carcinoma of kidney. Review status: no classification provided. Collection method: in vitro. Allele origin: not applicable. Functional consequence: skipped exon. Not counted in ClinVar's aggregate classification.

Dr. Peter K. Rogan Lab, Western University
No classification provided (evidence only). Condition: Clear cell carcinoma of kidney. Review status: no classification provided. Collection method: in vitro. Allele origin: not applicable. Functional consequence: skipped exon, retained intron. Not counted in ClinVar's aggregate classification.

Dr. Peter K. Rogan Lab, Western University
No classification provided (evidence only). Condition: Clear cell carcinoma of kidney. Review status: no classification provided. Collection method: in vitro. Allele origin: not applicable. Functional consequence: retained intron. Not counted in ClinVar's aggregate classification.

Dr. Peter K. Rogan Lab, Western University
No classification provided (evidence only). Condition: Clear cell carcinoma of kidney. Review status: no classification provided. Collection method: in vitro. Allele origin: not applicable. Functional consequence: skipped exon. Not counted in ClinVar's aggregate classification.

Dr. Peter K. Rogan Lab, Western University
No classification provided (evidence only). Condition: Clear cell carcinoma of kidney. Review status: no classification provided. Collection method: in vitro. Allele origin: not applicable. Functional consequence: skipped exon. Not counted in ClinVar's aggregate classification.

Dr. Peter K. Rogan Lab, Western University
No classification provided (evidence only). Condition: Melanoma. Review status: no classification provided. Collection method: in vitro. Allele origin: not applicable. Functional consequence: retained intron. Not counted in ClinVar's aggregate classification.

Dr. Peter K. Rogan Lab, Western University
No classification provided (evidence only). Condition: Familial cancer of breast. Review status: no classification provided. Collection method: in vitro. Allele origin: not applicable. Functional consequence: retained intron. Not counted in ClinVar's aggregate classification.

Dr. Peter K. Rogan Lab, Western University
No classification provided (evidence only). Condition: Familial cancer of breast. Review status: no classification provided. Collection method: in vitro. Allele origin: not applicable. Functional consequence: skipped exon. Not counted in ClinVar's aggregate classification.

Dr. Peter K. Rogan Lab, Western University
No classification provided (evidence only). Condition: Familial cancer of breast. Review status: no classification provided. Collection method: in vitro. Allele origin: not applicable. Functional consequence: skipped exon. Not counted in ClinVar's aggregate classification.

Dr. Peter K. Rogan Lab, Western University
No classification provided (evidence only). Condition: Cervical cancer. Review status: no classification provided. Collection method: in vitro. Allele origin: not applicable. Functional consequence: retained intron. Not counted in ClinVar's aggregate classification.

Dr. Peter K. Rogan Lab, Western University
No classification provided (evidence only). Condition: Sarcoma. Review status: no classification provided. Collection method: in vitro. Allele origin: not applicable. Functional consequence: skipped exon. Not counted in ClinVar's aggregate classification.

Dr. Peter K. Rogan Lab, Western University
No classification provided (evidence only). Condition: Ovarian serous cystadenocarcinoma. Review status: no classification provided. Collection method: in vitro. Allele origin: not applicable. Functional consequence: retained intron. Not counted in ClinVar's aggregate classification.

Dr. Peter K. Rogan Lab, Western University
No classification provided (evidence only). Condition: Gastric cancer. Review status: no classification provided. Collection method: in vitro. Allele origin: not applicable. Functional consequence: retained intron. Not counted in ClinVar's aggregate classification.

Dr. Peter K. Rogan Lab, Western University
No classification provided (evidence only). Condition: Gastric cancer. Review status: no classification provided. Collection method: in vitro. Allele origin: not applicable. Functional consequence: retained intron. Not counted in ClinVar's aggregate classification.

Dr. Peter K. Rogan Lab, Western University
No classification provided (evidence only). Condition: Familial pancreatic carcinoma. Review status: no classification provided. Collection method: in vitro. Allele origin: not applicable. Functional consequence: retained intron. Not counted in ClinVar's aggregate classification.